The following is an entry in ClinVar:

NM_177438.3(DICER1):c.3972G>A (p.Lys1324=)

Gene: DICER1 (dicer 1, ribonuclease III; minus strand). Cytogenetic location: 14q32.13.
Variant type: single nucleotide variant.
Coding change: c.3972G>A on transcript NM_177438.3 (MANE Select); coding-DNA position 3972, G replaced by A.
Protein change: p.Lys1324=; no amino-acid change (lysine 1324 retained).
Molecular consequence: synonymous variant.
Genome position (GRCh38, 1-based): chr14:95,103,424, C>T on the plus strand (G>A on the coding strand, the complement: DICER1 is on the minus strand). VCF-style: chr14-95103424-C-T. GRCh37 (hg19) VCF-style: chr14-95569761-C-T.
Other names: c.3972G>A, p.Lys1324= (NM_001195573.1, NM_001271282.3, NM_001291628.2 and 1 more transcripts).
Identifiers: ClinVar variation 220744 (VCV000220744.85), dbSNP rs45562437, ClinGen allele CA350653.
Genomic context (GRCh38, chr14:95,103,424, plus strand): 5'-TGAAAGGCGGCCCTCATGCGCATCAGGGTAAGTGCAAAATAGATATGTGGTGATGGCATG[C>T]TTTAAAAAGGAGTCGCCAAGCATTTCAAGCCGCTCCAGGTTAAATCCATCACTAGCGTTT-3'
Protein context (NP_803187.1, residues 1314-1334): RLEMLGDSFL[Lys1324=]HAITTYLFCT

ClinVar aggregate classification (germline): Benign/Likely benign. Review status: criteria provided, multiple submitters, no conflicts (2 of 4 stars). 19 submissions from 19 submitters: Benign (8); Likely benign (6). 5 of the submissions do not count toward it. Last evaluated 2026-09-01.

Conditions:
DICER1-related tumor predisposition. Also called: DICER1-related pleuropulmonary blastoma cancer predisposition syndrome; DICER1 syndrome. Identifiers: Orphanet 284343, MedGen C3839822, MONDO:0100216.
Euthyroid goiter (MNG1). Also called: Goiter, multinodular 1, with or without Sertoli-Leydig cell tumors; GOITER, NONTOXIC, WITH INTRATHYROIDAL CALCIFICATION; MULTINODULAR GOITER, ADOLESCENT; SIMPLE GOITER. Identifiers: Orphanet 276399, MedGen C0302859, MONDO:0007681, OMIM 138800, HP:0009798.
Global developmental delay - lung cysts - overgrowth - Wilms tumor syndrome. Also called: GLOBAL DEVELOPMENTAL DELAY, LUNG CYSTS, OVERGROWTH, AND WILMS TUMOR; GLOW Syndrome. Identifiers: Orphanet 404476, MedGen C4748924, MONDO:0018445, OMIM 618272.
Pleuropulmonary blastoma (PPB). Identifiers: Orphanet 64742, MedGen C1266144, MONDO:0011014, OMIM 601200, HP:0100528.
Rhabdomyosarcoma, embryonal, 2 (RMSE2). Identifiers: MedGen C1867234, MONDO:0859046, OMIM 180295.
DICER1-related disorder. Also called: DICER1-related condition.
Hereditary cancer-predisposing syndrome. Also called: Neoplastic Syndromes, Hereditary; Tumor predisposition; Hereditary Cancer Syndrome; Hereditary neoplastic syndrome. Identifiers: Orphanet 140162, MedGen C0027672, MeSH D009386, MONDO:0015356.

Allele frequency attached by ClinVar (database versions not stated): 1000 Genomes Project 0.00060; 1000 Genomes Project 30x 0.00078; TOPMed 0.00172; gnomAD 0.00174 and 0.00182; ESP Exome Variant Server 0.00200; gnomAD exomes 0.00204 and 0.00253; ExAC 0.00224.
gnomAD v4.1: 3,979 of 1,614,184 alleles (0.25%); highest among the groups gnomAD compares: South Asian, 0.56%; 8 homozygotes.

Submissions (19):

CeGaT Center for Human Genetics Tuebingen
Classification: Likely benign. Last evaluated: 2026-09-01. Review status: criteria provided, single submitter. Criteria: CeGaT Center For Human Genetics Tuebingen Variant Classification Criteria Version 2. Collection method: clinical testing. Allele origin: germline. Affected: yes. Observed: 27 variant alleles.
Comment: DICER1: BP4, BS1

Myriad Genetics, Inc.
Classification: Benign for DICER1-related tumor predisposition. Last evaluated: 2026-04-17. Review status: criteria provided, single submitter. Criteria: Myriad Autosomal Dominant, Autosomal Recessive and X-Linked Classification Criteria (2023). Collection method: clinical testing. Allele origin: unknown.
Comment: This variant is considered benign. This variant is a silent/synonymous amino acid change and it is not expected to impact splicing.

Labcorp Genetics (formerly Invitae), Labcorp
Classification: Benign for DICER1-related tumor predisposition. Last evaluated: 2026-02-04. Review status: criteria provided, single submitter. Criteria: Invitae Variant Classification Sherloc (09022015). Collection method: clinical testing. Allele origin: germline.

Quest Diagnostics Nichols Institute San Juan Capistrano
Classification: Benign. Last evaluated: 2025-08-28. Review status: criteria provided, single submitter. Criteria: Quest Diagnostics criteria. Collection method: clinical testing. Allele origin: unknown.

Center for Genomic Medicine, Rigshospitalet, Copenhagen University Hospital
Classification: Likely benign. Last evaluated: 2025-03-04. Review status: criteria provided, single submitter. Criteria: ACMG Guidelines, 2015. Collection method: clinical testing. Allele origin: germline.

Blueprint Genetics
Classification: Likely benign. Last evaluated: 2024-10-25. Review status: criteria provided, single submitter. Criteria: ACMG Guidelines, 2015. Collection method: clinical testing. Allele origin: germline.

Department of Pathology and Laboratory Medicine, Sinai Health System
Classification: Benign for Euthyroid goiter; Rhabdomyosarcoma, embryonal, 2; Pleuropulmonary blastoma; Global developmental delay - lung cysts - overgrowth - Wilms tumor syndrome. Last evaluated: 2024-04-02. Review status: criteria provided, single submitter. Criteria: ACMG Guidelines, 2015. Collection method: clinical testing. Allele origin: germline. Affected: yes.

ARUP Laboratories, Molecular Genetics and Genomics, ARUP Laboratories
Classification: Benign. Last evaluated: 2023-10-03. Review status: criteria provided, single submitter. Criteria: ARUP Molecular Germline Variant Investigation Process 2024. Collection method: clinical testing. Allele origin: germline.

KCCC/NGS Laboratory, Kuwait Cancer Control Center
Classification: Benign for Pleuropulmonary blastoma. Last evaluated: 2023-07-07. Review status: criteria provided, single submitter. Criteria: ACMG Guidelines, 2015. Collection method: clinical testing. Allele origin: germline. Affected: yes.

GeneDx
Classification: Likely benign. Last evaluated: 2021-06-25. Review status: criteria provided, single submitter. Criteria: GeneDx Variant Classification Process June 2021. Collection method: clinical testing. Allele origin: germline. Affected: yes.
Comment: This variant is associated with the following publications: (PMID: 23620094, 21266384)

Sema4
Classification: Benign for Hereditary cancer-predisposing syndrome. Last evaluated: 2020-10-25. Review status: criteria provided, single submitter. Criteria: Sema4 Curation Guidelines. Collection method: curation. Allele origin: germline.

Illumina Laboratory Services, Illumina
Classification: Benign for Pleuropulmonary blastoma. Last evaluated: 2018-01-12. Review status: criteria provided, single submitter. Criteria: ICSL Variant Classification Criteria 13 December 2019. Collection method: clinical testing. Allele origin: germline.
Comment: This variant was observed in the ICSL laboratory as part of a predisposition screen in an ostensibly healthy population. It had not been previously curated by ICSL or reported in the Human Gene Mutation Database (HGMD: prior to June 1st, 2018), and was therefore a candidate for classification through an automated scoring system. Utilizing variant allele frequency, disease prevalence and penetrance estimates, and inheritance mode, an automated score was calculated to assess if this variant is too frequent to cause the disease. Based on the score and internal cut-off values, a variant classified as benign is not then subjected to further curation. The score for this variant resulted in a classification of benign for this disease.

Ambry Genetics
Classification: Likely benign for Hereditary cancer-predisposing syndrome. Last evaluated: 2016-11-01. Review status: criteria provided, single submitter. Criteria: Ambry Variant Classification Scheme 2023. Collection method: clinical testing. Allele origin: germline.

Breakthrough Genomics
Classification: Likely benign. Review status: criteria provided, single submitter. Criteria: ACMG Guidelines, 2015. Collection method: not provided. Allele origin: germline. Inheritance: Autosomal dominant inheritance. Affected: yes.

PreventionGenetics, part of Exact Sciences
Classification: Benign for DICER1-related condition. Last evaluated: 2020-01-06. Review status: no assertion criteria provided. Collection method: clinical testing. Allele origin: germline. Not counted in ClinVar's aggregate classification.
Comment: This variant is classified as benign based on ACMG/AMP sequence variant interpretation guidelines (Richards et al. 2015 PMID: 25741868, with internal and published modifications).

Clinical Genetics DNA and cytogenetics Diagnostics Lab, Erasmus MC, Erasmus Medical Center
Classification: Likely benign. Review status: no assertion criteria provided. Collection method: clinical testing. Allele origin: germline. Affected: yes. Study: VKGL Data-share Consensus. Not counted in ClinVar's aggregate classification.

Diagnostic Laboratory, Department of Genetics, University Medical Center Groningen
Classification: Likely benign. Review status: no assertion criteria provided. Collection method: clinical testing. Allele origin: germline. Affected: yes. Study: VKGL Data-share Consensus. Not counted in ClinVar's aggregate classification.

Genome Diagnostics Laboratory, Amsterdam University Medical Center
Classification: Likely benign. Review status: no assertion criteria provided. Collection method: clinical testing. Allele origin: germline. Affected: yes. Study: VKGL Data-share Consensus. Not counted in ClinVar's aggregate classification.

Genome Diagnostics Laboratory, University Medical Center Utrecht
Classification: Likely benign. Review status: no assertion criteria provided. Collection method: clinical testing. Allele origin: germline. Affected: yes. Study: VKGL Data-share Consensus. Not counted in ClinVar's aggregate classification.

Literature cited by the submitters: PubMed 23620094 (cited by Quest Diagnostics Nichols Institute San Juan Capistrano).